The following is an entry in ClinVar:

ClinVar aggregate classification (germline): Likely pathogenic. Review status: criteria provided, single submitter (1 of 4 stars). 2 submissions from 2 submitters: Likely pathogenic (1). 1 of the submissions does not count toward it. Last evaluated 2025-07-11.

Conditions:
Oculotrichoanal syndrome (MOTA). Also called: MARLES SYNDROME; Manitoba Oculotrichoanal (MOTA) Syndrome. Identifiers: Orphanet 2717, MedGen C1855425, MONDO:0009560, OMIM 248450.
BNAR syndrome. Also called: Bifid Nose With or Without Anorectal and Renal Anomalies (BNAR) Syndrome. Identifiers: Orphanet 217266, MedGen C2750433, MONDO:0012165, OMIM 608980.

Allele frequency attached by ClinVar (database versions not stated): gnomAD exomes below 0.00001.

Submissions (2):

First Genomix Gene Laboratory, Genetic Diagnostics Department
Classification: Likely pathogenic for BNAR syndrome; Oculotrichoanal syndrome. Last evaluated: 2025-07-11. Review status: criteria provided, single submitter. Criteria: ACMG Guidelines, 2015. Collection method: clinical testing. Allele origin: germline. Inheritance: Autosomal recessive inheritance. Affected: no. Observed: 1 variant allele.

Gharavi Laboratory, Columbia University
Classification: Uncertain significance. Last evaluated: 2018-09-16. Review status: no assertion criteria provided. Criteria: ACMG Guidelines, 2015. Collection method: research. Allele origin: germline. Affected: yes. Not counted in ClinVar's aggregate classification.

NM_001379081.2(FREM1):c.4468_4469insG (p.Thr1490fs)

Gene: FREM1 (FRAS1 related extracellular matrix 1; minus strand). Cytogenetic location: 9p22.3.
Variant type: Insertion.
Coding change: c.4468_4469insG on transcript NM_001379081.2 (MANE Select); coding-DNA positions 4468 to 4469, G inserted.
Protein change: p.Thr1490fs; shifts the reading frame from threonine 1490.
Molecular consequence: frameshift variant. On other transcripts: non-coding transcript variant (2).
Genome position: GRCh38 VCF-style: chr9-14776177-G-GC. GRCh37 (hg19) VCF-style: chr9-14776175-G-GC.
Other names: c.76_77insG, p.Thr26fs (NM_001177704.3, NM_001370058.2, NM_001370061.2); c.4468_4469insG, p.Thr1490fs (NM_144966.7); short protein forms T26fs, T1490fs.
Identifiers: ClinVar variation 591834 (VCV000591834.2), dbSNP rs1563900085, ClinGen allele CA891862739.